The following is an entry in ClinVar:

ClinVar aggregate classification (germline): Uncertain significance (1 of 4 stars; one submission).

Conditions:
Familial cancer of breast. Also called: hereditary breast carcinoma; BREAST CANCER, FAMILIAL; Hereditary breast cancer. Identifiers: Orphanet 227535, MedGen C0346153, MONDO:0016419, OMIM 114480. Disease mechanism: loss of function.

Submission:

Labcorp Genetics (formerly Invitae), Labcorp
Classification: Uncertain significance for Familial cancer of breast. Last evaluated: 2025-04-29. Review status: criteria provided, single submitter. Criteria: Invitae Variant Classification Sherloc (09022015). Collection method: clinical testing. Allele origin: germline.
Comment: This sequence change replaces aspartic acid, which is acidic and polar, with glutamic acid, which is acidic and polar, at codon 134 of the CHEK2 protein (p.Asp134Glu). This variant is not present in population databases (gnomAD no frequency). This variant has not been reported in the literature in individuals affected with CHEK2-related conditions. An algorithm developed to predict the effect of missense changes on protein structure and function outputs the following: PolyPhen-2: "Benign". The glutamic acid amino acid residue is found in multiple mammalian species, which suggests that this missense change does not adversely affect protein function. In summary, the available evidence is currently insufficient to determine the role of this variant in disease. Therefore, it has been classified as a Variant of Uncertain Significance.

NM_007194.4(CHEK2):c.402T>A (p.Asp134Glu)

Gene: CHEK2 (checkpoint kinase 2; minus strand). Cytogenetic location: 22q12.1.
Variant type: single nucleotide variant.
Coding change: c.402T>A on transcript NM_007194.4 (MANE Select); coding-DNA position 402, T replaced by A.
Protein change: p.Asp134Glu; replaces aspartic acid 134 with glutamic acid.
Molecular consequence: missense variant. On other transcripts: 5 prime UTR variant (2).
Genome position (GRCh38, 1-based): chr22:28,725,285, A>T on the plus strand (T>A on the coding strand, the complement: CHEK2 is on the minus strand). VCF-style: chr22-28725285-A-T. GRCh37 (hg19) VCF-style: chr22-29121273-A-T.
Other names: c.531T>A, p.Asp177Glu (NM_001005735.3, NM_001438294.1); c.-376T>A (NM_001257387.3); c.402T>A, p.Asp134Glu (NM_001349956.3, NM_145862.3); c.-262T>A (NM_001437942.1); c.495T>A, p.Asp165Glu (NM_001438293.1, NM_001438295.1); short protein forms D134E, D165E, D177E.
Identifiers: ClinVar variation 4718565 (VCV004718565.1).